The following is an entry in ClinVar:

NM_002691.4(POLD1):c.2475C>G (p.Asp825Glu)

Gene: POLD1 (DNA polymerase delta 1, catalytic subunit; plus strand). Cytogenetic location: 19q13.33.
Variant type: single nucleotide variant.
Coding change: c.2475C>G on transcript NM_002691.4 (MANE Select); coding-DNA position 2475, C replaced by G.
Protein change: p.Asp825Glu; replaces aspartic acid 825 with glutamic acid.
Molecular consequence: missense variant. On other transcripts: non-coding transcript variant (1).
Genome position (GRCh38, 1-based): chr19:50,414,901, C>G. VCF-style: chr19-50414901-C-G. GRCh37 (hg19) VCF-style: chr19-50918158-C-G.
Other names: c.2475C>G (NM_002691.2); c.2475C>G, p.Asp825Glu (NM_001256849.1); c.2553C>G, p.Asp851Glu (NM_001308632.1); short protein forms D825E, D851E.
Identifiers: ClinVar variation 852017 (VCV000852017.10), dbSNP rs973646375, ClinGen allele CA406985073.

ClinVar aggregate classification (germline): Uncertain significance. Review status: criteria provided, multiple submitters, no conflicts (2 of 4 stars). 2 submissions from 2 submitters: Uncertain significance (2). Last evaluated 2025-05-27.

Conditions:
Hereditary cancer-predisposing syndrome. Also called: Tumor predisposition; Hereditary Cancer Syndrome; Hereditary neoplastic syndrome; Neoplastic Syndromes, Hereditary. Identifiers: Orphanet 140162, MedGen C0027672, MeSH D009386, MONDO:0015356.
POLD1-related polyposis and colorectal cancer syndrome (CRCS10). Also called: Colorectal cancer 10; COLORECTAL CANCER, SUSCEPTIBILITY TO, ON CHROMOSOME 19q; Colorectal cancer, susceptibility to, 10. Identifiers: Orphanet 220460, MedGen C2675481, MONDO:0012953, OMIM 612591.

Allele frequency attached by ClinVar (database versions not stated): gnomAD exomes below 0.00001.
gnomAD v4.1: 5 of 1,610,582 alleles (0.00031%); highest among the groups gnomAD compares: Non-Finnish European, 0.00042%; no homozygotes.

Submissions (2):

Ambry Genetics
Classification: Uncertain significance for Hereditary cancer-predisposing syndrome. Last evaluated: 2025-05-27. Review status: criteria provided, single submitter. Criteria: Ambry Variant Classification Scheme 2023. Collection method: clinical testing. Allele origin: germline.
Comment: The p.D825E variant (also known as c.2475C>G), located in coding exon 19 of the POLD1 gene, results from a C to G substitution at nucleotide position 2475. The aspartic acid at codon 825 is replaced by glutamic acid, an amino acid with highly similar properties. This amino acid position is highly conserved in available vertebrate species. In addition, this alteration is predicted to be tolerated by in silico analysis. Based on the available evidence, the clinical significance of this variant remains unclear.

Labcorp Genetics (formerly Invitae), Labcorp
Classification: Uncertain significance for POLD1-related polyposis and colorectal cancer syndrome. Last evaluated: 2024-09-10. Review status: criteria provided, single submitter. Criteria: Invitae Variant Classification Sherloc (09022015). Collection method: clinical testing. Allele origin: germline.
Comment: This sequence change replaces aspartic acid, which is acidic and polar, with glutamic acid, which is acidic and polar, at codon 825 of the POLD1 protein (p.Asp825Glu). This variant is present in population databases (no rsID available, gnomAD 0.0009%). This variant has not been reported in the literature in individuals affected with POLD1-related conditions. ClinVar contains an entry for this variant (Variation ID: 852017). Invitae Evidence Modeling of protein sequence and biophysical properties (such as structural, functional, and spatial information, amino acid conservation, physicochemical variation, residue mobility, and thermodynamic stability) has been performed for this missense variant. However, the output from this modeling did not meet the statistical confidence thresholds required to predict the impact of this variant on POLD1 protein function. In summary, the available evidence is currently insufficient to determine the role of this variant in disease. Therefore, it has been classified as a Variant of Uncertain Significance.